The following is an entry in ClinVar:

ClinVar aggregate classification (germline): Likely benign (1 of 4 stars; one submission).

Allele frequency attached by ClinVar (database versions not stated): 1000 Genomes Project 30x 0.00016; TOPMed 0.00021.

Submission:

GeneDx
Classification: Likely benign. Last evaluated: 2017-03-21. Review status: criteria provided, single submitter. Criteria: GeneDx Variant Classification (06012015). Collection method: clinical testing. Allele origin: germline. Affected: yes.
Comment: This variant is considered likely benign or benign based on one or more of the following criteria: it is a conservative change, it occurs at a poorly conserved position in the protein, it is predicted to be benign by multiple in silico algorithms, and/or has population frequency not consistent with disease.

NM_004655.4(AXIN2):c.-128C>G

Gene: AXIN2 (axin 2; minus strand). Cytogenetic location: 17q24.1.
Variant type: single nucleotide variant.
Coding change: c.-128C>G on transcript NM_004655.4 (MANE Select); 128 bases upstream of the start codon, C replaced by G.
Molecular consequence: 5 prime UTR variant.
Genome position (GRCh38, 1-based): chr17:65,561,461, G>C on the plus strand (C>G on the coding strand, the complement: AXIN2 is on the minus strand). VCF-style: chr17-65561461-G-C. GRCh37 (hg19) VCF-style: chr17-63557579-G-C.
Other names: c.-128C>G (LRG_296t1, NM_001363813.1).
Identifiers: ClinVar variation 506808 (VCV000506808.1), dbSNP rs876661104, ClinGen allele CA293108049.